The following is an entry in ClinVar:

ClinVar aggregate classification (germline): Uncertain significance. Review status: criteria provided, multiple submitters, no conflicts (2 of 4 stars). 2 submissions from 2 submitters: Uncertain significance (2). Last evaluated 2025-11-19.

Conditions:
Inborn genetic diseases. Identifiers: MedGen C0950123, MeSH D030342.
Congenital glucose-galactose malabsorption (GGM). Also called: MONOSACCHARIDE MALABSORPTION; DIARRHEA 16. Identifiers: Orphanet 35710, MedGen C0268186, MONDO:0011731, OMIM 606824.

Allele frequency attached by ClinVar (database versions not stated): TOPMed below 0.00001; ExAC 0.00001; gnomAD 0.00002.
gnomAD v4.1: 9 of 1,610,456 alleles (0.00056%); highest among the groups gnomAD compares: East Asian, 0.0022%; no homozygotes.

Submissions (2):

Ambry Genetics
Classification: Uncertain significance for Inborn genetic diseases. Last evaluated: 2025-11-19. Review status: criteria provided, single submitter. Criteria: Ambry Variant Classification Scheme 2023. Collection method: clinical testing. Allele origin: germline.

Labcorp Genetics (formerly Invitae), Labcorp
Classification: Uncertain significance for Congenital glucose-galactose malabsorption. Last evaluated: 2023-09-30. Review status: criteria provided, single submitter. Criteria: Invitae Variant Classification Sherloc (09022015). Collection method: clinical testing. Allele origin: germline.
Comment: This variant is present in population databases (rs200562349, gnomAD 0.003%). In summary, the available evidence is currently insufficient to determine the role of this variant in disease. Therefore, it has been classified as a Variant of Uncertain Significance. Advanced modeling of protein sequence and biophysical properties (such as structural, functional, and spatial information, amino acid conservation, physicochemical variation, residue mobility, and thermodynamic stability) performed at Invitae indicates that this missense variant is not expected to disrupt SLC5A1 protein function. This variant has not been reported in the literature in individuals affected with SLC5A1-related conditions. This sequence change replaces alanine, which is neutral and non-polar, with threonine, which is neutral and polar, at codon 439 of the SLC5A1 protein (p.Ala439Thr).

NM_000343.4(SLC5A1):c.1315G>A (p.Ala439Thr)

Gene: SLC5A1 (solute carrier family 5 member 1; plus strand). Cytogenetic location: 22q12.3.
Variant type: single nucleotide variant.
Coding change: c.1315G>A on transcript NM_000343.4 (MANE Select); coding-DNA position 1315, G replaced by A.
Protein change: p.Ala439Thr; replaces alanine 439 with threonine.
Molecular consequence: missense variant.
Genome position (GRCh38, 1-based): chr22:32,099,217, G>A. VCF-style: chr22-32099217-G-A. GRCh37 (hg19) VCF-style: chr22-32495204-G-A.
Other names: c.934G>A, p.Ala312Thr (NM_001256314.2); c.1315G>A (NM_000343.3); short protein forms A312T, A439T.
Identifiers: ClinVar variation 2715665 (VCV002715665.4), dbSNP rs200562349, ClinGen allele CA10198216.